The following is an entry in ClinVar:

NM_004082.5(DCTN1):c.622C>T (p.Pro208Ser)

Gene: DCTN1 (dynactin subunit 1; minus strand). Cytogenetic location: 2p13.1.
Variant type: single nucleotide variant.
Coding change: c.622C>T on transcript NM_004082.5 (MANE Select); coding-DNA position 622, C replaced by T.
Protein change: p.Pro208Ser; replaces proline 208 with serine.
Molecular consequence: missense variant. On other transcripts: non-coding transcript variant (1).
Genome position (GRCh38, 1-based): chr2:74,371,560, G>A on the plus strand (C>T on the coding strand, the complement: DCTN1 is on the minus strand). VCF-style: chr2-74371560-G-A. GRCh37 (hg19) VCF-style: chr2-74598687-G-A.
Other names: c.562C>T, p.Pro188Ser (NM_001135040.3); c.220C>T, p.Pro74Ser (NM_001135041.3, NM_023019.4); c.511C>T, p.Pro171Ser (NM_001190836.2); c.601C>T, p.Pro201Ser (NM_001190837.2); c.571C>T, p.Pro191Ser (NM_001378991.1); c.553C>T, p.Pro185Ser (NM_001378992.1); short protein forms P208S, P74S, P171S, P201S, P188S, P185S, P191S.
Identifiers: ClinVar variation 337095 (VCV000337095.10), dbSNP rs770302677, ClinGen allele CA10616050.
Genomic context (GRCh38, chr2:74,371,560, plus strand): 5'-TGTCTTGATTCTCCTTTACCCCTACCCCAGGCCTTACCTTGGATGGGGAAGGAAGCGGGG[G>A]GACTGCTCCAGGAGAGGTGAGGACCGGCGTGGGGATGATGGGTGCTGCCAGCGGAGTCTG-3'
Protein context (NP_004073.2, residues 198-218): TPVLTSPGAV[Pro208Ser]PLPSPSKEEE

ClinVar aggregate classification (germline): Uncertain significance (1 of 4 stars; one submission).

Conditions:
Amyotrophic lateral sclerosis type 1 (ALS1). Also called: AMYOTROPHIC LATERAL SCLEROSIS 1, FAMILIAL. Identifiers: Orphanet 803, MedGen C1862939, MONDO:0007103, OMIM 105400.
Perry syndrome. Also called: PARKINSONISM WITH ALVEOLAR HYPOVENTILATION AND MENTAL DEPRESSION. Identifiers: Orphanet 178509, MedGen C1868594, MONDO:0008201, OMIM 168605.
Neuronopathy, distal hereditary motor, type 7B. Also called: HMN VIIB; LOWER MOTOR NEURON DISEASE, DYNACTIN TYPE; NEURONOPATHY, DISTAL HEREDITARY MOTOR, AUTOSOMAL DOMINANT 14; NEURONOPATHY, DISTAL HEREDITARY MOTOR, HARDING TYPE VIIB; NEUROPATHY, DISTAL HEREDITARY MOTOR, HARDING TYPE VIIB; NEUROPATHY, DISTAL HEREDITARY MOTOR, WITH VOCAL CORD PARALYSIS, HARDING TYPE VIIB. Identifiers: Orphanet 139589, MedGen C1843315, MONDO:0011879, OMIM 607641.

Allele frequency attached by ClinVar (database versions not stated): TOPMed 0.00001.
gnomAD v4.1: 3 of 1,581,036 alleles (0.00019%); highest among the groups gnomAD compares: Non-Finnish European, 0.00026%; no homozygotes.

Submission:

Labcorp Genetics (formerly Invitae), Labcorp
Classification: Uncertain significance for Amyotrophic lateral sclerosis type 1; Neuronopathy, distal hereditary motor, type 7B; Perry syndrome. Last evaluated: 2022-05-18. Review status: criteria provided, single submitter. Criteria: Invitae Variant Classification Sherloc (09022015). Collection method: clinical testing. Allele origin: germline.
Comment: In summary, the available evidence is currently insufficient to determine the role of this variant in disease. Therefore, it has been classified as a Variant of Uncertain Significance. Algorithms developed to predict the effect of missense changes on protein structure and function (SIFT, PolyPhen-2, Align-GVGD) all suggest that this variant is likely to be tolerated. ClinVar contains an entry for this variant (Variation ID: 337095). This variant has not been reported in the literature in individuals affected with DCTN1-related conditions. This variant is not present in population databases (gnomAD no frequency). This sequence change replaces proline, which is neutral and non-polar, with serine, which is neutral and polar, at codon 208 of the DCTN1 protein (p.Pro208Ser).